The following is an entry in ClinVar:

NM_016628.5(WAC):c.1223C>G (p.Thr408Ser)

Gene: WAC (WW domain containing adaptor with coiled-coil; plus strand). Cytogenetic location: 10p12.1.
Variant type: single nucleotide variant.
Coding change: c.1223C>G on transcript NM_016628.5 (MANE Select); coding-DNA position 1223, C replaced by G.
Protein change: p.Thr408Ser; replaces threonine 408 with serine.
Molecular consequence: missense variant.
Genome position (GRCh38, 1-based): chr10:28,610,756, C>G. VCF-style: chr10-28610756-C-G. GRCh37 (hg19) VCF-style: chr10-28899685-C-G.
Other names: c.1088C>G, p.Thr363Ser (NM_100264.3); c.914C>G, p.Thr305Ser (NM_100486.4); short protein forms T305S, T363S, T408S.
Identifiers: ClinVar variation 3771974 (VCV003771974.13).

ClinVar aggregate classification (germline): Uncertain significance (1 of 4 stars; one submission).

Submission:

CeGaT Center for Human Genetics Tuebingen
Classification: Uncertain significance. Last evaluated: 2025-02-01. Review status: criteria provided, single submitter. Criteria: CeGaT Center For Human Genetics Tuebingen Variant Classification Criteria Version 2. Collection method: clinical testing. Allele origin: germline. Affected: yes. Observed: 1 variant allele.
Comment: WAC: PM2